The following is an entry in ClinVar:

NM_203447.4(DOCK8):c.4340C>G (p.Ala1447Gly)

Gene: DOCK8 (dedicator of cytokinesis 8; plus strand). Cytogenetic location: 9p24.3.
Variant type: single nucleotide variant.
Coding change: c.4340C>G on transcript NM_203447.4 (MANE Select); coding-DNA position 4340, C replaced by G.
Protein change: p.Ala1447Gly; replaces alanine 1447 with glycine.
Molecular consequence: missense variant.
Genome position (GRCh38, 1-based): chr9:428,363, C>G. VCF-style: chr9-428363-C-G. GRCh37 (hg19) VCF-style: chr9-428363-C-G.
Other names: c.4040C>G, p.Ala1347Gly (NM_001190458.2); c.4136C>G, p.Ala1379Gly (NM_001193536.2); short protein forms A1347G, A1379G, A1447G.
Identifiers: ClinVar variation 975223 (VCV000975223.4), dbSNP rs529920844, ClinGen allele CA372765930.

ClinVar aggregate classification (germline): Uncertain significance. Review status: criteria provided, single submitter (1 of 4 stars). 2 submissions from 2 submitters: Uncertain significance (1). 1 of the submissions does not count toward it. Last evaluated 2022-02-20.

Conditions:
Intellectual disability. Also called: intellectual disabilities; Intellectual developmental disorder; Intellectual functioning disability. Identifiers: MedGen C3714756, MeSH D008607, MONDO:0001071, HP:0001249.
Hyper-IgE recurrent infection syndrome 3, autosomal recessive. Also called: Autosomal recessive hyper-IgE syndrome due to ZNF341 deficiency; HYPER-IgE SYNDROME 3, AUTOSOMAL RECESSIVE, WITH RECURRENT INFECTIONS. Identifiers: Orphanet 641368, MedGen C4748969, MONDO:0032654, OMIM 618282.

Submissions (2):

Labcorp Genetics (formerly Invitae), Labcorp
Classification: Uncertain significance for Combined immunodeficiency due to DOCK8 deficiency. Last evaluated: 2022-02-20. Review status: criteria provided, single submitter. Criteria: Invitae Variant Classification Sherloc (09022015). Collection method: clinical testing. Allele origin: germline.
Comment: This sequence change replaces alanine, which is neutral and non-polar, with glycine, which is neutral and non-polar, at codon 1447 of the DOCK8 protein (p.Ala1447Gly). In summary, the available evidence is currently insufficient to determine the role of this variant in disease. Therefore, it has been classified as a Variant of Uncertain Significance. Algorithms developed to predict the effect of missense changes on protein structure and function are either unavailable or do not agree on the potential impact of this missense change (SIFT: "Deleterious"; PolyPhen-2: "Benign"; Align-GVGD: "Class C0"). ClinVar contains an entry for this variant (Variation ID: 975223). This variant has not been reported in the literature in individuals affected with DOCK8-related conditions. This variant is present in population databases (no rsID available, gnomAD 0.0009%).

Centre de Biologie Pathologie Génétique, Centre Hospitalier Universitaire de Lille
Classification: Likely benign for Intellectual disability. Last evaluated: 2019-01-01. Review status: no assertion criteria provided. Collection method: clinical testing. Allele origin: inherited. Affected: yes. Not counted in ClinVar's aggregate classification.